The following is an entry in ClinVar:

ClinVar aggregate classification (germline): Uncertain significance (1 of 4 stars; one submission).

Conditions:
Emery-Dreifuss muscular dystrophy 5, autosomal dominant (EDMD5). Also called: EMERY-DREIFUSS MUSCULAR DYSTROPHY 5. Identifiers: Orphanet 261, MedGen C2751805, MONDO:0013072, OMIM 612999.

Submission:

Labcorp Genetics (formerly Invitae), Labcorp
Classification: Uncertain significance for Emery-Dreifuss muscular dystrophy 5, autosomal dominant. Last evaluated: 2025-09-02. Review status: criteria provided, single submitter. Criteria: Invitae Variant Classification Sherloc (09022015). Collection method: clinical testing. Allele origin: germline.
Comment: This sequence change replaces alanine, which is neutral and non-polar, with threonine, which is neutral and polar, at codon 4630 of the SYNE2 protein (p.Ala4630Thr). This variant is not present in population databases (gnomAD no frequency). This variant has not been reported in the literature in individuals affected with SYNE2-related conditions. An algorithm developed to predict the effect of missense changes on protein structure and function (PolyPhen-2) suggests that this variant is likely to be tolerated. In summary, the available evidence is currently insufficient to determine the role of this variant in disease. Therefore, it has been classified as a Variant of Uncertain Significance.

NM_182914.3(SYNE2):c.13888G>A (p.Ala4630Thr)

Gene: SYNE2 (spectrin repeat containing nuclear envelope protein 2; plus strand). Cytogenetic location: 14q23.2.
Variant type: single nucleotide variant.
Coding change: c.13888G>A on transcript NM_182914.3 (MANE Select); coding-DNA position 13888, G replaced by A.
Protein change: p.Ala4630Thr; replaces alanine 4630 with threonine.
Molecular consequence: missense variant.
Genome position (GRCh38, 1-based): chr14:64,126,778, G>A. VCF-style: chr14-64126778-G-A. GRCh37 (hg19) VCF-style: chr14-64593496-G-A.
Other names: c.13888G>A, p.Ala4630Thr (NM_015180.6); short protein forms A4630T.
Identifiers: ClinVar variation 4717101 (VCV004717101.1).